The following is an entry in ClinVar:

ClinVar aggregate classification (germline): Uncertain significance (1 of 4 stars; one submission).

Conditions:
HAX1-related disorder. Also called: HAX1-related condition.

Submission:

PreventionGenetics, part of Exact Sciences
Classification: Uncertain significance for HAX1-related condition. Last evaluated: 2023-02-03. Review status: criteria provided, single submitter. Criteria: ACMG Guidelines, 2015. Collection method: clinical testing. Allele origin: germline.
Comment: The HAX1 c.93_98del6 variant is predicted to result in an in-frame deletion (p.Glu31_Asp32del). To our knowledge, this variant has not been reported in the literature. This variant is reported in 0.0029% of alleles in individuals of Latino descent in gnomAD. At this time, the clinical significance of this variant is uncertain due to the absence of conclusive functional and genetic evidence.

NM_006118.4(HAX1):c.87AGATGA[1] (p.Glu31_Asp32del)

Gene: HAX1 (HCLS1 associated protein X-1; plus strand). Cytogenetic location: 1q21.3.
Variant type: Microsatellite.
Coding change: c.87AGATGA[1] on transcript NM_006118.4 (MANE Select); one copy of the 6-base unit AGATGA starting at c.87; the reference has two copies in a row; one copy, 6 bases deleted.
Protein change: p.Glu31_Asp32del.
Molecular consequence: inframe deletion. On other transcripts: inframe indel (2), intron variant (1).
Genome position (GRCh38, 1-based): chr1:154,273,375-154,273,380, AGATGA deleted; deleting any 6 consecutive bases within chr1:154,273,369-154,273,380 gives the same sequence; the position shown is the placement nearest the transcript's 3' end. VCF-style (leftmost placement, unchanged base first): chr1-154273368-GAGATGA-G. GRCh37 (hg19) VCF-style: chr1-154245844-GAGATGA-G.
Other names: c.87_92AGATGA[1], p.Glu31_Asp32del (NM_006118.3); c.54-105_54-100del (NM_001018837.2); c.93_98del6 (NM_006118.3).
Identifiers: ClinVar variation 2630122 (VCV002630122.1), dbSNP rs765647412, ClinGen allele CA1127242.